The following is an entry in ClinVar:

ClinVar aggregate classification (germline): Uncertain significance (1 of 4 stars; one submission).

Conditions:
NBAS-related disorder. Also called: NBAS-related condition.

Allele frequency attached by ClinVar (database versions not stated): gnomAD 0.00001; TOPMed 0.00001; gnomAD exomes 0.00002; ESP Exome Variant Server 0.00008.

Submission:

PreventionGenetics, part of Exact Sciences
Classification: Uncertain significance for NBAS-related condition. Last evaluated: 2022-09-13. Review status: criteria provided, single submitter. Criteria: ACMG Guidelines, 2015. Collection method: clinical testing. Allele origin: germline.
Comment: The NBAS c.2047C>T variant is predicted to result in the amino acid substitution p.Arg683Cys. To our knowledge, this variant has not been reported in the literature. This variant is reported in 0.0033% of alleles in individuals of South Asian descent in gnomAD. At this time, the clinical significance of this variant is uncertain due to the absence of conclusive functional and genetic evidence.

NM_015909.4(NBAS):c.2047C>T (p.Arg683Cys)

Gene: NBAS (NBAS subunit of NRZ tethering complex; minus strand). Cytogenetic location: 2p24.3.
Variant type: single nucleotide variant.
Coding change: c.2047C>T on transcript NM_015909.4 (MANE Select); coding-DNA position 2047, C replaced by T.
Protein change: p.Arg683Cys; replaces arginine 683 with cysteine.
Molecular consequence: missense variant. On other transcripts: non-coding transcript variant (1).
Genome position (GRCh38, 1-based): chr2:15,467,379, G>A on the plus strand (C>T on the coding strand, the complement: NBAS is on the minus strand). VCF-style: chr2-15467379-G-A. GRCh37 (hg19) VCF-style: chr2-15607503-G-A.
Other names: short protein forms R683C.
Identifiers: ClinVar variation 2634891 (VCV002634891.1), dbSNP rs377409290, ClinGen allele CA42624519.